The following is an entry in ClinVar:

NM_001692.4(ATP6V1B1):c.1149C>A (p.Tyr383Ter)

Gene: ATP6V1B1 (ATPase H+ transporting V1 subunit B1; plus strand). Cytogenetic location: 2p13.3.
Variant type: single nucleotide variant.
Coding change: c.1149C>A on transcript NM_001692.4 (MANE Select); coding-DNA position 1149, C replaced by A.
Protein change: p.Tyr383Ter; replaces tyrosine 383 with a stop codon.
Molecular consequence: nonsense.
Genome position (GRCh38, 1-based): chr2:70,964,443, C>A. VCF-style: chr2-70964443-C-A. GRCh37 (hg19) VCF-style: chr2-71191573-C-A.
Other names: short protein forms Y383*.
Identifiers: ClinVar variation 1070677 (VCV001070677.7), dbSNP rs782522530, ClinGen allele CA347187559.

ClinVar aggregate classification (germline): Pathogenic (1 of 4 stars; one submission).

gnomAD v4.1: 3 of 1,613,456 alleles (0.00019%); highest among the groups gnomAD compares: African/African-American, 0.0013%; no homozygotes.

Submission:

Labcorp Genetics (formerly Invitae), Labcorp
Classification: Pathogenic. Last evaluated: 2020-04-27. Review status: criteria provided, single submitter. Criteria: Invitae Variant Classification Sherloc (09022015). Collection method: clinical testing. Allele origin: germline.
Comment: For these reasons, this variant has been classified as Pathogenic. Loss-of-function variants in ATP6V1B1 are known to be pathogenic (PMID: 9916796, 18368028). This variant has not been reported in the literature in individuals with ATP6V1B1-related conditions. This variant is not present in population databases (ExAC no frequency). This sequence change creates a premature translational stop signal (p.Tyr383*) in the ATP6V1B1 gene. It is expected to result in an absent or disrupted protein product.

Literature cited by the submitters: PubMed 9916796; PubMed 18368028.